The following is an entry in ClinVar:

NM_003073.5(SMARCB1):c.500+3G>A

Gene: SMARCB1 (SWI/SNF related BAF chromatin remodeling complex subunit B1; plus strand). Cytogenetic location: 22q11.23.
Variant type: single nucleotide variant.
Coding change: c.500+3G>A on transcript NM_003073.5 (MANE Select); 3 bases into the intron after coding-DNA position 500, G replaced by A.
Molecular consequence: intron variant. On other transcripts: missense variant (2).
Genome position (GRCh38, 1-based): chr22:23,801,084, G>A. VCF-style: chr22-23801084-G-A. GRCh37 (hg19) VCF-style: chr22-24143271-G-A.
Other names: c.476G>A, p.Cys159Tyr (NM_001317946.2); c.503G>A, p.Cys168Tyr (NM_001362877.2); c.473+3G>A (NM_001007468.3); short protein forms C159Y, C168Y.
Identifiers: ClinVar variation 825362 (VCV000825362.8), dbSNP rs1601402006, ClinGen allele CA410934615.

ClinVar aggregate classification (germline): Uncertain significance. Review status: criteria provided, multiple submitters, no conflicts (2 of 4 stars). 2 submissions from 2 submitters: Uncertain significance (2). Last evaluated 2026-02-16.

Conditions:
Hereditary cancer-predisposing syndrome. Also called: Hereditary Cancer Syndrome; Tumor predisposition; Neoplastic Syndromes, Hereditary; Hereditary neoplastic syndrome. Identifiers: Orphanet 140162, MedGen C0027672, MeSH D009386, MONDO:0015356.

Submissions (2):

Ambry Genetics
Classification: Uncertain significance for Hereditary cancer-predisposing syndrome. Last evaluated: 2026-02-16. Review status: criteria provided, single submitter. Criteria: Ambry Variant Classification Scheme 2023. Collection method: clinical testing. Allele origin: germline.
Comment: The c.500+3G>A intronic variant results from a G to A substitution 3 nucleotides after coding exon 4 in the SMARCB1 gene. This nucleotide position is not well conserved in available vertebrate species. In silico splice site analysis predicts that this alteration will not have any significant effect on splicing. Based on the available evidence, the clinical significance of this variant remains unclear.

Labcorp Genetics (formerly Invitae), Labcorp
Classification: Uncertain significance. Last evaluated: 2023-04-16. Review status: criteria provided, single submitter. Criteria: Invitae Variant Classification Sherloc (09022015). Collection method: clinical testing. Allele origin: germline.
Comment: This variant has not been reported in the literature in individuals affected with SMARCB1-related conditions. This variant is not present in population databases (gnomAD no frequency). This sequence change falls in intron 4 of the SMARCB1 gene. It does not directly change the encoded amino acid sequence of the SMARCB1 protein. It affects a nucleotide within the consensus splice site. ClinVar contains an entry for this variant (Variation ID: 825362). In summary, the available evidence is currently insufficient to determine the role of this variant in disease. Therefore, it has been classified as a Variant of Uncertain Significance. Variants that disrupt the consensus splice site are a relatively common cause of aberrant splicing (PMID: 17576681, 9536098). Algorithms developed to predict the effect of sequence changes on RNA splicing suggest that this variant may create or strengthen a splice site.

Literature cited by the submitters: PubMed 17576681 (cited by Labcorp Genetics (formerly Invitae), Labcorp); PubMed 9536098 (cited by Labcorp Genetics (formerly Invitae), Labcorp).